The following is an entry in ClinVar:

NM_001079872.2(CUL4B):c.2408T>G (p.Ile803Arg)

Gene: CUL4B (cullin 4B; minus strand). Cytogenetic location: Xq24.
Variant type: single nucleotide variant.
Coding change: c.2408T>G on transcript NM_001079872.2 (MANE Select); coding-DNA position 2408, T replaced by G.
Protein change: p.Ile803Arg; replaces isoleucine 803 with arginine.
Molecular consequence: missense variant.
Genome position (GRCh38, 1-based): chrX:120,532,453, A>C on the plus strand (T>G on the coding strand, the complement: CUL4B is on the minus strand). VCF-style: chrX-120532453-A-C. GRCh37 (hg19) VCF-style: chrX-119666308-A-C.
Other names: c.2423T>G, p.Ile808Arg (NM_001330624.2); c.1874T>G, p.Ile625Arg (NM_001369145.1); c.2462T>G, p.Ile821Arg (NM_003588.4); short protein forms I625R, I803R, I808R, I821R.
Identifiers: ClinVar variation 1222974 (VCV001222974.3), dbSNP rs2147321522, ClinGen allele CA414193634.

ClinVar aggregate classification (germline): Uncertain significance (1 of 4 stars; one submission).

Submission:

GeneDx
Classification: Uncertain significance. Last evaluated: 2019-04-04. Review status: criteria provided, single submitter. Criteria: GeneDx Variant Classification Process June 2021. Collection method: clinical testing. Allele origin: germline. Affected: yes.
Comment: Not observed in large population cohorts (Lek et al., 2016); In silico analysis, which includes protein predictors and evolutionary conservation, supports a deleterious effect; Has not been previously published as pathogenic or benign to our knowledge